The following is an entry in ClinVar:

ClinVar aggregate classification (germline): Uncertain significance (1 of 4 stars; one submission).

Conditions:
Charcot-Marie-Tooth disease dominant intermediate B (CMTDIB). Also called: CHARCOT-MARIE-TOOTH NEUROPATHY, DOMINANT INTERMEDIATE B; Charcot-Marie-Tooth disease dominant intermediate 1; CMT DI1; Charcot-Marie-Tooth disease dominant intermediate I. Identifiers: Orphanet 100044, Orphanet 228179, MedGen C1847902, MONDO:0011674, OMIM 606482.

gnomAD v4.1: 2 of 1,613,894 alleles (0.00012%); highest among the groups gnomAD compares: Non-Finnish European, 0.000085%; no homozygotes.

Submission:

Labcorp Genetics (formerly Invitae), Labcorp
Classification: Uncertain significance for Charcot-Marie-Tooth disease dominant intermediate B. Last evaluated: 2024-03-01. Review status: criteria provided, single submitter. Criteria: Invitae Variant Classification Sherloc (09022015). Collection method: clinical testing. Allele origin: germline.
Comment: This sequence change replaces proline, which is neutral and non-polar, with threonine, which is neutral and polar, at codon 771 of the DNM2 protein (p.Pro771Thr). This variant is not present in population databases (gnomAD no frequency). This variant has not been reported in the literature in individuals affected with DNM2-related conditions. ClinVar contains an entry for this variant (Variation ID: 962120). Advanced modeling of protein sequence and biophysical properties (such as structural, functional, and spatial information, amino acid conservation, physicochemical variation, residue mobility, and thermodynamic stability) has been performed at Invitae for this missense variant, however the output from this modeling did not meet the statistical confidence thresholds required to predict the impact of this variant on DNM2 protein function. In summary, the available evidence is currently insufficient to determine the role of this variant in disease. Therefore, it has been classified as a Variant of Uncertain Significance.

NM_001005361.3(DNM2):c.2311C>A (p.Pro771Thr)

Gene: DNM2 (dynamin 2; plus strand). Cytogenetic location: 19p13.2.
Variant type: single nucleotide variant.
Coding change: c.2311C>A on transcript NM_001005361.3 (MANE Select); coding-DNA position 2311, C replaced by A.
Protein change: p.Pro771Thr; replaces proline 771 with threonine.
Molecular consequence: missense variant.
Genome position (GRCh38, 1-based): chr19:10,830,146, C>A. VCF-style: chr19-10830146-C-A. GRCh37 (hg19) VCF-style: chr19-10940822-C-A.
Other names: c.2311C>A, p.Pro771Thr (NM_001005360.3, NM_001190716.2); c.2299C>A, p.Pro767Thr (NM_001005362.3, NM_004945.4); short protein forms P767T, P771T.
Identifiers: ClinVar variation 962120 (VCV000962120.9), dbSNP rs1862203120, ClinGen allele CA404043584.